The following is an entry in ClinVar:

NM_170601.5(SIAE):c.901C>T (p.Arg301Cys)

Gene: SIAE (sialic acid acetylesterase; minus strand). Cytogenetic location: 11q24.2.
Variant type: single nucleotide variant.
Coding change: c.901C>T on transcript NM_170601.5 (MANE Select); coding-DNA position 901, C replaced by T.
Protein change: p.Arg301Cys; replaces arginine 301 with cysteine.
Molecular consequence: missense variant.
Genome position (GRCh38, 1-based): chr11:124,647,430, G>A on the plus strand (C>T on the coding strand, the complement: SIAE is on the minus strand). VCF-style: chr11-124647430-G-A. GRCh37 (hg19) VCF-style: chr11-124517326-G-A.
Other names: c.796C>T, p.Arg266Cys (NM_001199922.2); short protein forms R266C, R301C.
Identifiers: ClinVar variation 1482407 (VCV001482407.8), dbSNP rs1337921650, ClinGen allele CA383148647.
Genomic context (GRCh38, chr11:124,647,430, plus strand): 5'-CAAGTCCAAATGGGAAGAAACGCTCCGTCTGCCCCTGGGAACCACGGTGGAAGGTTTCAC[G>A]CCAGTCTTCGATGAGTGCAGGGAATGTGCAATTGTACAGATCCGTGTTATAATTTATATT-3'
Protein context (NP_733746.1, residues 291-311): CTFPALIEDW[Arg301Cys]ETFHRGSQGQ

ClinVar aggregate classification (germline): Uncertain significance (1 of 4 stars; one submission).

Allele frequency attached by ClinVar (database versions not stated): gnomAD exomes below 0.00001; gnomAD 0.00003.
gnomAD v4.1: 9 of 1,614,028 alleles (0.00056%); highest among the groups gnomAD compares: African/African-American, 0.004%; no homozygotes.

Submission:

Labcorp Genetics (formerly Invitae), Labcorp
Classification: Uncertain significance. Last evaluated: 2025-06-30. Review status: criteria provided, single submitter. Criteria: Invitae Variant Classification Sherloc (09022015). Collection method: clinical testing. Allele origin: germline.
Comment: This sequence change replaces arginine, which is basic and polar, with cysteine, which is neutral and slightly polar, at codon 301 of the SIAE protein (p.Arg301Cys). This variant is present in population databases (no rsID available, gnomAD 0.003%). This variant has not been reported in the literature in individuals affected with SIAE-related conditions. ClinVar contains an entry for this variant (Variation ID: 1482407). An algorithm developed to predict the effect of missense changes on protein structure and function (PolyPhen-2) suggests that this variant is likely to be disruptive. In summary, the available evidence is currently insufficient to determine the role of this variant in disease. Therefore, it has been classified as a Variant of Uncertain Significance.